The following is an entry in ClinVar:

NM_014974.3(DIP2C):c.2290G>A (p.Gly764Arg)

Genes: DIP2C (DIP2 acetate--CoA ligase C (putative); minus strand), LOC126860806 (MED14-independent group 3 enhancer GRCh37_chr10:409736-410935; plus strand). Cytogenetic location: 10p15.3.
Variant type: single nucleotide variant.
Coding change: c.2290G>A on transcript NM_014974.3 (MANE Select); coding-DNA position 2290, G replaced by A.
Protein change: p.Gly764Arg; replaces glycine 764 with arginine.
Molecular consequence: missense variant.
Genome position (GRCh38, 1-based): chr10:364,561, C>T on the plus strand (G>A on the coding strand, the complement: DIP2C is on the minus strand). VCF-style: chr10-364561-C-T. GRCh37 (hg19) VCF-style: chr10-410501-C-T.
Other names: c.2290G>A (NM_014974.2); short protein forms G764R.
Identifiers: ClinVar variation 1405269 (VCV001405269.9), dbSNP rs188555552, ClinGen allele CA5380477.

ClinVar aggregate classification (germline): Conflicting classifications of pathogenicity. Review status: criteria provided, conflicting classifications (1 of 4 stars). 2 submissions from 2 submitters: Uncertain significance (1); Likely benign (1). Last evaluated 2025-12-10.

Conditions:
Inborn genetic diseases. Identifiers: MedGen C0950123, MeSH D030342.

Allele frequency attached by ClinVar (database versions not stated): gnomAD exomes 0.00003 and 0.00008; TOPMed 0.00003; ExAC 0.00004; gnomAD 0.00004; ESP Exome Variant Server 0.00008; 1000 Genomes Project 30x 0.00016; 1000 Genomes Project 0.00020.
gnomAD v4.1: 44 of 1,613,990 alleles (0.0027%); highest among the groups gnomAD compares: Admixed American, 0.045%; no homozygotes.

Submissions (2):

Labcorp Genetics (formerly Invitae), Labcorp
Classification: Uncertain significance. Last evaluated: 2025-12-10. Review status: criteria provided, single submitter. Criteria: Invitae Variant Classification Sherloc (09022015). Collection method: clinical testing. Allele origin: germline.
Comment: This sequence change replaces glycine, which is neutral and non-polar, with arginine, which is basic and polar, at codon 764 of the DIP2C protein (p.Gly764Arg). This variant is present in population databases (rs188555552, gnomAD 0.05%), and has an allele count higher than expected for a pathogenic variant. This variant has not been reported in the literature in individuals affected with DIP2C-related conditions. ClinVar contains an entry for this variant (Variation ID: 1405269). An algorithm developed to predict the effect of missense changes on protein structure and function (PolyPhen-2) suggests that this variant is likely to be disruptive. In summary, the available evidence is currently insufficient to determine the role of this variant in disease. Therefore, it has been classified as a Variant of Uncertain Significance.

Ambry Genetics
Classification: Likely benign for Inborn genetic diseases. Last evaluated: 2025-08-05. Review status: criteria provided, single submitter. Criteria: Ambry Variant Classification Scheme 2023. Collection method: clinical testing. Allele origin: germline.